The following is an entry in ClinVar:

ClinVar aggregate classification (germline): Uncertain significance (1 of 4 stars; one submission).

Allele frequency attached by ClinVar (database versions not stated): gnomAD 0.00001.
gnomAD v4.1: 1 of 1,614,058 alleles (0.000062%); highest among the groups gnomAD compares: Non-Finnish European, 0.000085%; no homozygotes.

Submission:

Labcorp Genetics (formerly Invitae), Labcorp
Classification: Uncertain significance. Last evaluated: 2021-12-08. Review status: criteria provided, single submitter. Criteria: Invitae Variant Classification Sherloc (09022015). Collection method: clinical testing. Allele origin: germline.
Comment: This sequence change replaces valine, which is neutral and non-polar, with leucine, which is neutral and non-polar, at codon 477 of the SLC16A1 protein (p.Val477Leu). This variant is present in population databases (rs752493155, gnomAD 0.007%). This variant has not been reported in the literature in individuals affected with SLC16A1-related conditions. Algorithms developed to predict the effect of missense changes on protein structure and function output the following: SIFT: "Tolerated"; PolyPhen-2: "Benign"; Align-GVGD: "Class C0". The leucine amino acid residue is found in multiple mammalian species, which suggests that this missense change does not adversely affect protein function. In summary, the available evidence is currently insufficient to determine the role of this variant in disease. Therefore, it has been classified as a Variant of Uncertain Significance.

NM_003051.4(SLC16A1):c.1429G>C (p.Val477Leu)

Gene: SLC16A1 (solute carrier family 16 member 1; minus strand). Cytogenetic location: 1p13.2.
Variant type: single nucleotide variant.
Coding change: c.1429G>C on transcript NM_003051.4 (MANE Select); coding-DNA position 1429, G replaced by C.
Protein change: p.Val477Leu; replaces valine 477 with leucine.
Molecular consequence: missense variant.
Genome position (GRCh38, 1-based): chr1:112,913,965, C>G on the plus strand (G>C on the coding strand, the complement: SLC16A1 is on the minus strand). VCF-style: chr1-112913965-C-G. GRCh37 (hg19) VCF-style: chr1-113456587-C-G.
Other names: c.1429G>C, p.Val477Leu (NM_001166496.2); short protein forms V477L.
Identifiers: ClinVar variation 2038400 (VCV002038400.4), dbSNP rs752493155, ClinGen allele CA29390617.
Genomic context (GRCh38, chr1:112,913,965, plus strand): 5'-CCTCCTCCTTGGGCCCTCCATCTGTGTCTTTCTGGTCCGGAGATTCTGCTGCTTTGGTAA[C>G]TTCATTTGGCTTCCCAGCAACATCTATACTGGTCTCTTCCTCTTTACTTTCCTTTTTCTG-3'
Protein context (NP_003042.3, residues 467-487): SIDVAGKPNE[Val477Leu]TKAAESPDQK